The following is an entry in ClinVar:

ClinVar aggregate classification (germline): Uncertain significance (1 of 4 stars; one submission).

Conditions:
Cardiovascular phenotype. Identifiers: MedGen CN230736.
Hereditary cancer-predisposing syndrome. Also called: Neoplastic Syndromes, Hereditary; Hereditary Cancer Syndrome; Tumor predisposition; Hereditary neoplastic syndrome. Identifiers: Orphanet 140162, MedGen C0027672, MeSH D009386, MONDO:0015356.

Submission:

Ambry Genetics
Classification: Uncertain significance for Cardiovascular phenotype; Hereditary cancer-predisposing syndrome. Last evaluated: 2025-09-12. Review status: criteria provided, single submitter. Criteria: Ambry Variant Classification Scheme 2023. Collection method: clinical testing. Allele origin: germline.
Comment: The p.Y417C variant (also known as c.1250A>G), located in coding exon 11 of the LZTR1 gene, results from an A to G substitution at nucleotide position 1250. The tyrosine at codon 417 is replaced by cysteine, an amino acid with highly dissimilar properties. This amino acid position is highly conserved in available vertebrate species. In addition, this alteration is predicted to be deleterious by in silico analysis. Based on the available evidence, the clinical significance of this variant remains unclear.

NM_006767.4(LZTR1):c.1250A>G (p.Tyr417Cys)

Gene: LZTR1 (leucine zipper like post translational regulator 1; plus strand). Cytogenetic location: 22q11.21.
Variant type: single nucleotide variant.
Coding change: c.1250A>G on transcript NM_006767.4 (MANE Select); coding-DNA position 1250, A replaced by G.
Protein change: p.Tyr417Cys; replaces tyrosine 417 with cysteine.
Molecular consequence: missense variant.
Genome position (GRCh38, 1-based): chr22:20,992,894, A>G. VCF-style: chr22-20992894-A-G. GRCh37 (hg19) VCF-style: chr22-21347183-A-G.
Other names: short protein forms Y417C.
Identifiers: ClinVar variation 2447766 (VCV002447766.3), dbSNP rs1057524046, ClinGen allele CA410774126.